The following is an entry in ClinVar:

ClinVar aggregate classification (germline): Likely benign (1 of 4 stars; one submission).

Conditions:
ARX-related disorder. Also called: ARX-Related Disorders; ARX-related condition. Identifiers: MedGen CN378769.

Submission:

PreventionGenetics, part of Exact Sciences
Classification: Likely benign for ARX-related condition. Last evaluated: 2025-04-27. Review status: criteria provided, single submitter. Criteria: ACMG Guidelines, 2015. Collection method: clinical testing. Allele origin: germline.
Comment: This variant is classified as likely benign based on ACMG/AMP sequence variant interpretation guidelines (Richards et al. 2015 PMID: 25741868, with internal and published modifications).

NM_139058.3(ARX):c.1659G>C (p.Pro553=)

Gene: ARX (aristaless related homeobox; minus strand). Cytogenetic location: Xp21.3.
Variant type: single nucleotide variant.
Coding change: c.1659G>C on transcript NM_139058.3 (MANE Select); coding-DNA position 1659, G replaced by C.
Protein change: p.Pro553=; no amino-acid change (proline 553 retained).
Molecular consequence: synonymous variant.
Genome position (GRCh38, 1-based): chrX:25,004,700, C>G on the plus strand (G>C on the coding strand, the complement: ARX is on the minus strand). VCF-style: chrX-25004700-C-G. GRCh37 (hg19) VCF-style: chrX-25022817-C-G.
Identifiers: ClinVar variation 4999323 (VCV004999323.1).
Genomic context (GRCh38, chrX:25,004,700, plus strand): 5'-CGCGCGGGGCGCGGGTGTGGAGGGCAGCCTTTAGCACACCTCCTTGCCCGTGCTGGTGCC[C>G]GGCAGGATGTTGAGCTGCGTGAGCTGCGCCGCGTGCTCCTTGGCCTTGAGCCTCAGCGCG-3'
Protein context (NP_620689.1, residues 543-562): AAQLTQLNIL[Pro553=]GTSTGKEVC